The following is an entry in ClinVar:

NM_000465.4(BARD1):c.2268del (p.Val755_Trp756insTer)

Gene: BARD1 (BRCA1 associated RING domain 1; minus strand). Cytogenetic location: 2q35.
Variant type: Deletion.
Coding change: c.2268del on transcript NM_000465.4 (MANE Select); coding-DNA position 2268, one base deleted (G; older notation c.2268delG).
Protein change: p.Val755_Trp756insTer.
Molecular consequence: nonsense. On other transcripts: non-coding transcript variant (3).
Genome position (GRCh38, 1-based): chr2:214,728,742, C deleted on the plus strand (G on the coding strand, the reverse complement: BARD1 is on the minus strand); the first of 2 consecutive C bases (chr2:214,728,742-214,728,743); deleting either gives the same sequence. VCF-style (leftmost placement, unchanged base first): chr2-214728741-TC-T. GRCh37 (hg19) VCF-style: chr2-215593465-TC-T.
Other names: c.2211del, p.Val736_Trp737insTer (NM_001282543.2); c.915del, p.Val304_Trp305insTer (NM_001282545.2); c.858del, p.Val285_Trp286insTer (NM_001282548.2); c.729del, p.Val242_Trp243insTer (NM_001282549.2).
Identifiers: ClinVar variation 630637 (VCV000630637.8), dbSNP rs1559371635, ClinGen allele CA913188002.

ClinVar aggregate classification (germline): Pathogenic/Likely pathogenic. Review status: criteria provided, multiple submitters, no conflicts (2 of 4 stars). 3 submissions from 3 submitters: Pathogenic (1); Likely pathogenic (2). Last evaluated 2024-08-21.

Conditions:
Hereditary cancer-predisposing syndrome. Also called: Tumor predisposition; Neoplastic Syndromes, Hereditary; Hereditary neoplastic syndrome; Hereditary Cancer Syndrome. Identifiers: Orphanet 140162, MedGen C0027672, MeSH D009386, MONDO:0015356.
Familial cancer of breast. Also called: hereditary breast carcinoma; BREAST CANCER, FAMILIAL; Hereditary breast cancer. Identifiers: Orphanet 227535, MedGen C0346153, MONDO:0016419, OMIM 114480. Disease mechanism: loss of function.

Submissions (3):

Labcorp Genetics (formerly Invitae), Labcorp
Classification: Likely pathogenic for Familial cancer of breast. Last evaluated: 2024-08-21. Review status: criteria provided, single submitter. Criteria: Invitae Variant Classification Sherloc (09022015). Collection method: clinical testing. Allele origin: germline.
Comment: This sequence change creates a premature translational stop signal (p.Trp756*) in the BARD1 gene. While this is not anticipated to result in nonsense mediated decay, it is expected to disrupt the last 22 amino acid(s) of the BARD1 protein. This variant is not present in population databases (gnomAD no frequency). This variant has not been reported in the literature in individuals affected with BARD1-related conditions. ClinVar contains an entry for this variant (Variation ID: 630637). This variant disrupts the C-terminal BRCT domain of BARD1 protein, which is required for chromosome stability and homology-directed repair (PMID: 17848578). A different variant (p.Val767fs) that lies downstream of this variant has been reported to affect BARD1 protein function (PMID: 30925164), this suggests that disruption of this region of the protein is causative of disease. In summary, the currently available evidence indicates that the variant is pathogenic, but additional data are needed to prove that conclusively. Therefore, this variant has been classified as Likely Pathogenic.

Myriad Genetics, Inc.
Classification: Pathogenic for Familial cancer of breast. Last evaluated: 2023-05-25. Review status: criteria provided, single submitter. Criteria: Myriad Autosomal Dominant, Autosomal Recessive and X-Linked Classification Criteria (2023). Collection method: clinical testing. Allele origin: unknown.
Comment: This variant is considered pathogenic. This variant creates a termination codon and is predicted to result in premature protein truncation.

Color Diagnostics, LLC DBA Color Health
Classification: Likely pathogenic for Hereditary cancer-predisposing syndrome. Last evaluated: 2020-05-20. Review status: criteria provided, single submitter. Criteria: ACMG Guidelines, 2015. Collection method: clinical testing. Allele origin: germline.
Comment: This variant deletes 1 nucleotide in exon 11 of the BARD1 gene, creating a frameshift and premature translation stop signal. While this variant is not expected to trigger nonsense-mediated decay, this variant is predicted to partially truncate the BRCT domain that facilitates protein-protein interaction involved in BARD1's role in DNA repair and tumor suppression (PMID: 17550235, 17848578, 26738429). This variant is expected to result in an absent or non-functional protein product. To our knowledge, this variant has not been reported in individuals affected with hereditary cancer in the literature. This variant has not been identified in the general population by the Genome Aggregation Database (gnomAD). Loss of BARD1 function is a known mechanism of disease. Based on the available evidence, this variant is classified as Likely Pathogenic.

Literature cited by the submitters: PubMed 17848578 (cited by Labcorp Genetics (formerly Invitae), Labcorp); PubMed 30925164 (cited by Labcorp Genetics (formerly Invitae), Labcorp).